The following is an entry in ClinVar:

ClinVar aggregate classification (germline): Uncertain significance (1 of 4 stars; one submission).

gnomAD v4.1: 1 of 1,613,978 alleles (0.000062%); highest among the groups gnomAD compares: Admixed American, 0.0017%; no homozygotes.

Submission:

Dasa
Classification: Uncertain significance. Last evaluated: 2024-11-20. Review status: criteria provided, single submitter. Criteria: DASA Assertion Criteria. Collection method: clinical testing. Allele origin: germline.
Comment: NM_002755.4(MAP2K1):c.862C>T (p.Pro288Ser) is a missense variant that results in the substitution of proline with serine. This variant is rare in population databases. Computational prediction algorithms are consistent with a benign effect. The currently available literature and clinical evidence are not sufficient to establish a definitive association between this variant and the reported condition. Therefore, this variant is classified as a variant of uncertain significance.

NM_002755.4(MAP2K1):c.862C>T (p.Pro288Ser)

Gene: MAP2K1 (mitogen-activated protein kinase kinase 1; plus strand). Cytogenetic location: 15q22.31.
Variant type: single nucleotide variant.
Coding change: c.862C>T on transcript NM_002755.4 (MANE Select); coding-DNA position 862, C replaced by T.
Protein change: p.Pro288Ser; replaces proline 288 with serine.
Molecular consequence: missense variant.
Genome position (GRCh38, 1-based): chr15:66,485,158, C>T. VCF-style: chr15-66485158-C-T. GRCh37 (hg19) VCF-style: chr15-66777496-C-T.
Other names: c.718C>T, p.Pro240Ser (NM_001411065.1); short protein forms P240S, P288S.
Identifiers: ClinVar variation 4883085 (VCV004883085.2).